The following is an entry in ClinVar:

ClinVar aggregate classification (germline): Pathogenic (1 of 4 stars; one submission).

Conditions:
Congenital disorder of glycosylation, type Iaa. Also called: Congenital disorder of glycosylation, type 1aa. Identifiers: MedGen C4310727, MONDO:0014904, OMIM 617082.

Submission:

Labcorp Genetics (formerly Invitae), Labcorp
Classification: Pathogenic for Congenital disorder of glycosylation, type Iaa. Last evaluated: 2023-06-27. Review status: criteria provided, single submitter. Criteria: Invitae Variant Classification Sherloc (09022015). Collection method: clinical testing. Allele origin: germline.
Comment: For these reasons, this variant has been classified as Pathogenic. Algorithms developed to predict the effect of sequence changes on RNA splicing suggest that this variant may disrupt the consensus splice site. Disruption of this splice site has been observed in individual(s) with developmental and epileptic encephalopathy (PMID: 33731878). In at least one individual the variant was observed to be de novo. This variant is not present in population databases (gnomAD no frequency). This sequence change affects a donor splice site in intron 1 of the NUS1 gene. It is expected to disrupt RNA splicing. Variants that disrupt the donor or acceptor splice site typically lead to a loss of protein function (PMID: 16199547), and loss-of-function variants in NUS1 are known to be pathogenic (PMID: 29100083).

Literature cited by the submitters: PubMed 33731878; PubMed 16199547; PubMed 29100083.

NM_138459.5(NUS1):c.415+2T>G

Gene: NUS1 (NUS1 dehydrodolichyl diphosphate synthase subunit; plus strand). Cytogenetic location: 6q22.1.
Variant type: single nucleotide variant.
Coding change: c.415+2T>G on transcript NM_138459.5 (MANE Select); the canonical splice donor site of the intron after coding-DNA position 415, T replaced by G.
Molecular consequence: splice donor variant.
Genome position (GRCh38, 1-based): chr6:117,676,087, T>G. VCF-style: chr6-117676087-T-G. GRCh37 (hg19) VCF-style: chr6-117997250-T-G.
Identifiers: ClinVar variation 2851443 (VCV002851443.3), dbSNP rs2481984001, ClinGen allele CA365536588.
Genomic context (GRCh38, chr6:117,676,087, plus strand): 5'-CCTCGTGGTGTGGTGTATGGCCGTGGGCATCTCCTACATTAGCGTCTACGACCACCAAGG[T>G]GAGGCCCGGTGCGGTGGTGGGGGGTGGCCGAGGCGTCTTGGACCGCTAGACCGCTGGTCT-3'